The following is an entry in ClinVar:

ClinVar aggregate classification (germline): Likely benign. Review status: criteria provided, multiple submitters, no conflicts (2 of 4 stars). 3 submissions from 3 submitters: Likely benign (2). 1 of the submissions does not count toward it. Last evaluated 2025-09-27.

Conditions:
SLC25A21-related disorder. Also called: SLC25A21-related condition.

Allele frequency attached by ClinVar (database versions not stated): gnomAD exomes 0.00011; ExAC 0.00031; gnomAD 0.00056; TOPMed 0.00062; ESP Exome Variant Server 0.00092; 1000 Genomes Project 30x 0.00094; 1000 Genomes Project 0.00100.
gnomAD v4.1: 246 of 1,607,420 alleles (0.015%); highest among the groups gnomAD compares: African/African-American, 0.21%; 1 homozygote.

Submissions (3):

Labcorp Genetics (formerly Invitae), Labcorp
Classification: Likely benign. Last evaluated: 2025-09-27. Review status: criteria provided, single submitter. Criteria: Invitae Variant Classification Sherloc (09022015). Collection method: clinical testing. Allele origin: germline.

Ambry Genetics
Classification: Likely benign. Last evaluated: 2025-08-09. Review status: criteria provided, single submitter. Criteria: Ambry Variant Classification Scheme 2023. Collection method: clinical testing. Allele origin: germline.

PreventionGenetics, part of Exact Sciences
Classification: Likely benign for SLC25A21-related condition. Last evaluated: 2023-10-26. Review status: no assertion criteria provided. Collection method: clinical testing. Allele origin: germline. Not counted in ClinVar's aggregate classification.
Comment: This variant is classified as likely benign based on ACMG/AMP sequence variant interpretation guidelines (Richards et al. 2015 PMID: 25741868, with internal and published modifications).

NM_030631.4(SLC25A21):c.182G>A (p.Arg61Gln)

Gene: SLC25A21 (solute carrier family 25 member 21; minus strand). Cytogenetic location: 14q13.3.
Variant type: single nucleotide variant.
Coding change: c.182G>A on transcript NM_030631.4 (MANE Select); coding-DNA position 182, G replaced by A.
Protein change: p.Arg61Gln; replaces arginine 61 with glutamine.
Molecular consequence: missense variant.
Genome position (GRCh38, 1-based): chr14:36,813,939, C>T on the plus strand (G>A on the coding strand, the complement: SLC25A21 is on the minus strand). VCF-style: chr14-36813939-C-T. GRCh37 (hg19) VCF-style: chr14-37283144-C-T.
Other names: c.182G>A (NM_030631.3); c.182G>A, p.Arg61Gln (NM_001171170.2); short protein forms R61Q.
Identifiers: ClinVar variation 2175214 (VCV002175214.7), dbSNP rs147035536, ClinGen allele CA7159416.